The following is an entry in ClinVar:

ClinVar aggregate classification (germline): Uncertain significance. Review status: criteria provided, multiple submitters, no conflicts (2 of 4 stars). 3 submissions from 3 submitters: Uncertain significance (3). Last evaluated 2023-04-11.

Conditions:
Inborn genetic diseases. Identifiers: MedGen C0950123, MeSH D030342.
Hereditary insensitivity to pain with anhidrosis (CIPA). Also called: NEUROPATHY, CONGENITAL SENSORY, WITH ANHIDROSIS; FAMILIAL DYSAUTONOMIA, TYPE II; NTRK1 Congenital Insensitivity to Pain with Anhidrosis; hereditary sensory and autonomic neuropathy type 4; INSENSITIVITY TO PAIN, CONGENITAL, WITH ANHIDROSIS; HSAN Type IV. Identifiers: Orphanet 642, MedGen C0020074, MONDO:0009746, OMIM 256800.

Allele frequency attached by ClinVar (database versions not stated): gnomAD exomes below 0.00001; ExAC 0.00001; gnomAD 0.00001.
gnomAD v4.1: 16 of 1,614,058 alleles (0.00099%); highest among the groups gnomAD compares: Non-Finnish European, 0.0014%; no homozygotes.

Submissions (3):

Genome-Nilou Lab
Classification: Uncertain significance for Hereditary insensitivity to pain with anhidrosis. Last evaluated: 2023-04-11. Review status: criteria provided, single submitter. Criteria: ACMG Guidelines, 2015. Collection method: clinical testing. Allele origin: germline. Affected: no.

Ambry Genetics
Classification: Uncertain significance for Inborn genetic diseases. Last evaluated: 2020-02-06. Review status: criteria provided, single submitter. Criteria: Ambry Variant Classification Scheme 2023. Collection method: clinical testing. Allele origin: germline.
Comment: The p.I504F variant (also known as c.1510A>T), located in coding exon 12 of the NTRK1 gene, results from an A to T substitution at nucleotide position 1510. The isoleucine at codon 504 is replaced by phenylalanine, an amino acid with highly similar properties. This amino acid position is highly conserved in available vertebrate species. In addition, this alteration is predicted to be deleterious by in silico analysis. Since supporting evidence is limited at this time, the clinical significance of this alteration remains unclear.

GeneDx
Classification: Uncertain significance. Last evaluated: 2017-08-01. Review status: criteria provided, single submitter. Criteria: GeneDx Variant Classification (06012015). Collection method: clinical testing. Allele origin: germline. Affected: yes.
Comment: A variant of uncertain significance has been identified in the NTRK1 gene. The I504F variant has not been published as a pathogenic variant, nor has it been reported as a benign variant to our knowledge. The I504F variant is not observed at a significant frequency in large population cohorts (Lek et al., 2016; 1000 Genomes Consortium et al., 2015; Exome Variant Server). The I504F variant is a conservative amino acid substitution, which is not likely to impact secondary protein structure as these residues share similar properties. This substitution occurs at a position that is conserved across species. In silico analysis predicts this variant is probably damaging to the protein structure/function. However, missense variants in nearby residues have been reported in the Human Gene Mutation Database (Stenson et al., 2014). Therefore, based on the currently available information, it is unclear whether this variant is a pathogenic variant or a rare benign variant.

NM_002529.4(NTRK1):c.1528A>T (p.Ile510Phe)

Gene: NTRK1 (neurotrophic receptor tyrosine kinase 1; plus strand). Cytogenetic location: 1q23.1.
Variant type: single nucleotide variant.
Coding change: c.1528A>T on transcript NM_002529.4 (MANE Select); coding-DNA position 1528, A replaced by T.
Protein change: p.Ile510Phe; replaces isoleucine 510 with phenylalanine.
Molecular consequence: missense variant.
Genome position (GRCh38, 1-based): chr1:156,876,106, A>T. VCF-style: chr1-156876106-A-T. GRCh37 (hg19) VCF-style: chr1-156845898-A-T.
Other names: c.1420A>T, p.Ile474Phe (NM_001007792.1); c.1510A>T, p.Ile504Phe (NM_001012331.2); short protein forms I474F, I504F, I510F.
Identifiers: ClinVar variation 451120 (VCV000451120.5), dbSNP rs781478411, ClinGen allele CA1169376.